The following is an entry in ClinVar:

ClinVar aggregate classification (germline): Uncertain significance (1 of 4 stars; one submission).

Conditions:
Immunodeficiency, common variable, 10. Also called: IMMUNODEFICIENCY, COMMON VARIABLE, WITH CENTRAL ADRENAL INSUFFICIENCY; DEFICIT IN ANTERIOR PITUITARY FUNCTION AND VARIABLE IMMUNODEFICIENCY. Identifiers: MedGen C3809991, MONDO:0014260, OMIM 615577.

Submission:

Labcorp Genetics (formerly Invitae), Labcorp
Classification: Uncertain significance for Immunodeficiency, common variable, 10. Last evaluated: 2023-02-10. Review status: criteria provided, single submitter. Criteria: Invitae Variant Classification Sherloc (09022015). Collection method: clinical testing. Allele origin: germline.
Comment: In summary, the available evidence is currently insufficient to determine the role of this variant in disease. Therefore, it has been classified as a Variant of Uncertain Significance. This sequence change replaces arginine, which is basic and polar, with glutamine, which is neutral and polar, at codon 442 of the NFKB2 protein (p.Arg442Gln). This variant is not present in population databases (gnomAD no frequency). This variant has not been reported in the literature in individuals affected with NFKB2-related conditions. Algorithms developed to predict the effect of missense changes on protein structure and function output the following: SIFT: "Tolerated"; PolyPhen-2: "Benign"; Align-GVGD: "Class C0". The glutamine amino acid residue is found in multiple mammalian species, which suggests that this missense change does not adversely affect protein function.

NM_001322934.2(NFKB2):c.1325G>A (p.Arg442Gln)

Genes: NFKB2 (nuclear factor kappa B subunit 2; plus strand), LOC130004599 (ATAC-STARR-seq lymphoblastoid silent region 2756; plus strand). Cytogenetic location: 10q24.32.
Variant type: single nucleotide variant.
Coding change: c.1325G>A on transcript NM_001322934.2 (MANE Select); coding-DNA position 1325, G replaced by A.
Protein change: p.Arg442Gln; replaces arginine 442 with glutamine.
Molecular consequence: missense variant.
Genome position (GRCh38, 1-based): chr10:102,399,495, G>A. VCF-style: chr10-102399495-G-A. GRCh37 (hg19) VCF-style: chr10-104159252-G-A.
Other names: c.1325G>A, p.Arg442Gln (NM_001077493.1, NM_001077494.3, NM_001261403.3 and 2 more transcripts); c.1199G>A, p.Arg400Gln (NM_001322935.1); short protein forms R442Q, R400Q.
Identifiers: ClinVar variation 2103974 (VCV002103974.4), dbSNP rs2544590611, ClinGen allele CA377899372.